The following is an entry in ClinVar:

ClinVar aggregate classification (germline): Uncertain significance (1 of 4 stars; one submission).

Conditions:
HOXA13-related disorder. Also called: HOXA13-related condition.

Submission:

PreventionGenetics, part of Exact Sciences
Classification: Uncertain significance for HOXA13-related condition. Last evaluated: 2025-03-27. Review status: criteria provided, single submitter. Criteria: ACMG Guidelines, 2015. Collection method: clinical testing. Allele origin: germline.
Comment: The HOXA13 c.936T>A variant is predicted to result in the amino acid substitution p.His312Gln. To our knowledge, this variant has not been reported in the literature. This variant is reported in 0.038% of alleles in individuals of Latino descent in gnomAD. Although we suspect that this variant may be benign, at this time, the clinical significance of this variant is uncertain due to the absence of conclusive functional and genetic evidence.

NM_000522.5(HOXA13):c.936T>A (p.His312Gln)

Gene: HOXA13 (homeobox A13; minus strand). Cytogenetic location: 7p15.2.
Variant type: single nucleotide variant.
Coding change: c.936T>A on transcript NM_000522.5 (MANE Select); coding-DNA position 936, T replaced by A.
Protein change: p.His312Gln; replaces histidine 312 with glutamine.
Molecular consequence: missense variant.
Genome position (GRCh38, 1-based): chr7:27,198,429, A>T on the plus strand (T>A on the coding strand, the complement: HOXA13 is on the minus strand). VCF-style: chr7-27198429-A-T. GRCh37 (hg19) VCF-style: chr7-27238048-A-T.
Other names: short protein forms H312Q.
Identifiers: ClinVar variation 4997641 (VCV004997641.1).
Genomic context (GRCh38, chr7:27,198,429, plus strand): 5'-CACCTTGGTATAAGGCACGCGCTTCTTTCTCCCCCTCCTATAGGAGCTGGCATCCGAGGG[A>T]TGGGAGACCACGTCTAGAAGACAAGGGAGAAGGCAAGTTACACAGGGATCGGACCCCAGC-3'
Protein context (NP_000513.2, residues 302-322): WKSTLPDVVS[His312Gln]PSDASSYRRG